The following is an entry in ClinVar:

NM_020632.3(ATP6V0A4):c.2035G>T (p.Asp679Tyr)

Gene: ATP6V0A4 (ATPase H+ transporting V0 subunit a4; minus strand). Cytogenetic location: 7q34.
Variant type: single nucleotide variant.
Coding change: c.2035G>T on transcript NM_020632.3 (MANE Select); coding-DNA position 2035, G replaced by T.
Protein change: p.Asp679Tyr; replaces aspartic acid 679 with tyrosine.
Molecular consequence: missense variant.
Genome position (GRCh38, 1-based): chr7:138,722,001, C>A on the plus strand (G>T on the coding strand, the complement: ATP6V0A4 is on the minus strand). VCF-style: chr7-138722001-C-A. GRCh37 (hg19) VCF-style: chr7-138406746-C-A.
Other names: p.Asp679Tyr; c.2035G>T, p.Asp679Tyr (NM_130840.3, NM_130841.3); short protein forms D679Y.
Identifiers: ClinVar variation 261344 (VCV000261344.43), dbSNP rs150777839, ClinGen allele CA4504555.

ClinVar aggregate classification (germline): Benign/Likely benign. Review status: criteria provided, multiple submitters, no conflicts (2 of 4 stars). 8 submissions from 8 submitters: Benign (5); Likely benign (3). Last evaluated 2026-02-04.

Conditions:
Autosomal recessive distal renal tubular acidosis. Identifiers: Orphanet 402041, MedGen C1864498, MONDO:0018440.

Allele frequency attached by ClinVar (database versions not stated): 1000 Genomes Project 0.00339; 1000 Genomes Project 30x 0.00390; ESP Exome Variant Server 0.00492; gnomAD 0.00506 and 0.00516; TOPMed 0.00528; ExAC 0.00567; gnomAD exomes 0.00606.
gnomAD v4.1: 10,750 of 1,614,168 alleles (0.67%); highest among the groups gnomAD compares: Middle Eastern, 1.3%; 58 homozygotes.

Submissions (8):

Labcorp Genetics (formerly Invitae), Labcorp
Classification: Benign. Last evaluated: 2026-02-04. Review status: criteria provided, single submitter. Criteria: Invitae Variant Classification Sherloc (09022015). Collection method: clinical testing. Allele origin: germline.

CeGaT Center for Human Genetics Tuebingen
Classification: Likely benign. Last evaluated: 2025-08-01. Review status: criteria provided, single submitter. Criteria: CeGaT Center For Human Genetics Tuebingen Variant Classification Criteria Version 2. Collection method: clinical testing. Allele origin: germline. Affected: yes. Observed: 4 variant alleles.
Comment: ATP6V0A4: BP4, BS2

Mayo Clinic Laboratories, Mayo Clinic
Classification: Benign. Last evaluated: 2023-12-22. Review status: criteria provided, single submitter. Criteria: ACMG Guidelines, 2015. Collection method: clinical testing. Allele origin: germline. Observed: 4 variant alleles.
Comment: BS1, BS2

Women's Health and Genetics/Laboratory Corporation of America, LabCorp
Classification: Benign. Last evaluated: 2022-02-18. Review status: criteria provided, single submitter. Criteria: LabCorp Variant Classification Summary - May 2015. Collection method: clinical testing. Allele origin: germline.
Comment: Variant summary: ATP6V0A4 c.2035G>T (p.Asp679Tyr) results in a non-conservative amino acid change in the encoded protein sequence. Three of five in-silico tools predict a damaging effect of the variant on protein function. The variant allele was found at a frequency of 0.0061 in 251434 control chromosomes in the gnomAD database, including 13 homozygotes. The observed variant frequency is approximately 5.4 fold of the estimated maximal expected allele frequency for a pathogenic variant in ATP6V0A4 causing Renal Tubular Acidosis, Distal, Autosomal Recessive phenotype (0.0011), strongly suggesting that the variant is benign. Three clinical diagnostic laboratories have submitted clinical-significance assessments for this variant to ClinVar after 2014 without evidence for independent evaluation. All laboratories classified the variant as benign. Based on the evidence outlined above, the variant was classified as benign.

GeneDx
Classification: Benign. Last evaluated: 2020-03-20. Review status: criteria provided, single submitter. Criteria: GeneDx Variant Classification Process June 2021. Collection method: clinical testing. Allele origin: germline. Affected: yes.
Comment: This variant is associated with the following publications: (PMID: 24252324, 28233610, 16611712, 27884173)

Illumina Laboratory Services, Illumina
Classification: Benign for Renal tubular acidosis, distal, 3, with or without sensorineural hearing loss. Last evaluated: 2017-04-27. Review status: criteria provided, single submitter. Criteria: ICSL Variant Classification Criteria 13 December 2019. Collection method: clinical testing. Allele origin: germline.
Comment: This variant was observed as part of a predisposition screen in an ostensibly healthy population. A literature search was performed for the gene, cDNA change, and amino acid change (where applicable). Publications were found based on this search. The evidence from the literature, in combination with allele frequency data from public databases where available, was sufficient to rule this variant out of causing disease. Therefore, this variant is classified as benign.

Breakthrough Genomics
Classification: Likely benign. Review status: criteria provided, single submitter. Criteria: ACMG Guidelines, 2015. Collection method: not provided. Allele origin: germline. Inheritance: Autosomal recessive inheritance. Affected: yes.

PreventionGenetics, part of Exact Sciences
Classification: Likely benign. Review status: criteria provided, single submitter. Criteria: ACMG Guidelines, 2015. Collection method: clinical testing. Allele origin: germline.

Literature cited by the submitters: PubMed 16611712 (cited by Mayo Clinic Laboratories, Mayo Clinic and Illumina Laboratory Services, Illumina); PubMed 24252324 (cited by Mayo Clinic Laboratories, Mayo Clinic and Illumina Laboratory Services, Illumina).